The following is an entry in ClinVar:

ClinVar aggregate classification (germline): Uncertain significance (1 of 4 stars; one submission).

Conditions:
Inborn genetic diseases. Identifiers: MedGen C0950123, MeSH D030342.

Submission:

Ambry Genetics
Classification: Uncertain significance for Inborn genetic diseases. Last evaluated: 2022-09-24. Review status: criteria provided, single submitter. Criteria: Ambry Variant Classification Scheme 2023. Collection method: clinical testing. Allele origin: germline.
Comment: The p.L162P variant (also known as c.485T>C), located in coding exon 2 of the ACD gene, results from a T to C substitution at nucleotide position 485. The leucine at codon 162 is replaced by proline, an amino acid with similar properties. This amino acid position is conserved. In addition, the in silico prediction for this alteration is inconclusive. Since supporting evidence is limited at this time, the clinical significance of this alteration remains unclear.

NM_001082486.2(ACD):c.227T>C (p.Leu76Pro)

Gene: ACD (ACD shelterin complex subunit and telomerase recruitment factor; minus strand). Cytogenetic location: 16q22.1.
Variant type: single nucleotide variant.
Coding change: c.227T>C on transcript NM_001082486.2 (MANE Select); coding-DNA position 227, T replaced by C.
Protein change: p.Leu76Pro; replaces leucine 76 with proline.
Molecular consequence: missense variant.
Genome position (GRCh38, 1-based): chr16:67,659,918, A>G on the plus strand (T>C on the coding strand, the complement: ACD is on the minus strand). VCF-style: chr16-67659918-A-G. GRCh37 (hg19) VCF-style: chr16-67693821-A-G.
Other names: c.227T>C, p.Leu76Pro (NM_001410884.1); c.218T>C, p.Leu73Pro (NM_022914.3); short protein forms L76P, L73P.
Identifiers: ClinVar variation 1743637 (VCV001743637.2), dbSNP rs2543610041, ClinGen allele CA396356464.